The following is an entry in ClinVar:

NM_080605.4(B3GALT6):c.515C>T (p.Ala172Val)

Gene: B3GALT6 (beta-1,3-galactosyltransferase 6; plus strand). Cytogenetic location: 1p36.33.
Variant type: single nucleotide variant.
Coding change: c.515C>T on transcript NM_080605.4 (MANE Select); coding-DNA position 515, C replaced by T.
Protein change: p.Ala172Val; replaces alanine 172 with valine.
Molecular consequence: missense variant.
Genome position (GRCh38, 1-based): chr1:1,232,793, C>T. VCF-style: chr1-1232793-C-T. GRCh37 (hg19) VCF-style: chr1-1168173-C-T.
Other names: p.Ala172Val; short protein forms A172V.
Identifiers: ClinVar variation 373234 (VCV000373234.49), dbSNP rs200646244, ClinGen allele CA513367.
Genomic context (GRCh38, chr1:1,232,793, plus strand): 5'-TGCTCAAGGCGGACGACGACTCCTTCGCGCGGCTGGACGCGCTGCTGGCCGAGCTGCGCG[C>T]CCGCGAGCCCGCGCGCCGCCGCCGCCTCTACTGGGGCTTCTTCTCGGGCCGCGGCCGCGT-3'
Protein context (NP_542172.2, residues 162-182): RLDALLAELR[Ala172Val]REPARRRRLY

ClinVar aggregate classification (germline): Conflicting classifications of pathogenicity. Review status: criteria provided, conflicting classifications (1 of 4 stars). 10 submissions from 10 submitters: Uncertain significance (3); Likely benign (5). 2 of the submissions do not count toward it. Last evaluated 2026-02-01.

Conditions:
Inborn genetic diseases. Identifiers: MedGen C0950123, MeSH D030342.
Ehlers-Danlos syndrome, spondylodysplastic type, 2 (EDSSPD2). Also called: Ehlers-Danlos syndrome, progeroid type, 2. Identifiers: Orphanet 536467, Orphanet 75496, MedGen C3809210, MONDO:0014139, OMIM 615349.
Spondyloepimetaphyseal dysplasia with joint laxity (SEMDJL). Identifiers: MedGen C0432243, MONDO:0019675.
B3GALT6-related disorder. Also called: B3GALT6-related condition.

Allele frequency attached by ClinVar (database versions not stated): 1000 Genomes Project 0.00020; gnomAD 0.00063 and 0.00065; ESP Exome Variant Server 0.00071; TOPMed 0.00075; ExAC 0.00121; gnomAD exomes 0.00123 and 0.00124.
gnomAD v4.1: 1,576 of 1,350,218 alleles (0.12%); highest among the groups gnomAD compares: Non-Finnish European, 0.13%; 2 homozygotes.

Submissions (10):

Labcorp Genetics (formerly Invitae), Labcorp
Classification: Likely benign for Ehlers-Danlos syndrome, spondylodysplastic type, 2; Spondyloepimetaphyseal dysplasia with joint laxity. Last evaluated: 2026-02-01. Review status: criteria provided, single submitter. Criteria: Invitae Variant Classification Sherloc (09022015). Collection method: clinical testing. Allele origin: germline.

PreventionGenetics, part of Exact Sciences
Classification: Likely benign for B3GALT6-related condition. Last evaluated: 2025-11-10. Review status: criteria provided, single submitter. Criteria: ACMG Guidelines, 2015. Collection method: clinical testing. Allele origin: germline.
Comment: This variant is classified as likely benign based on ACMG/AMP sequence variant interpretation guidelines (Richards et al. 2015 PMID: 25741868, with internal and published modifications).

CeGaT Center for Human Genetics Tuebingen
Classification: Uncertain significance. Last evaluated: 2025-08-01. Review status: criteria provided, single submitter. Criteria: CeGaT Center For Human Genetics Tuebingen Variant Classification Criteria Version 2. Collection method: clinical testing. Allele origin: germline. Affected: yes. Observed: 2 variant alleles.

Mayo Clinic Laboratories, Mayo Clinic
Classification: Likely benign. Last evaluated: 2025-07-23. Review status: criteria provided, single submitter. Criteria: ACMG Guidelines, 2015. Collection method: clinical testing. Allele origin: germline. Observed: 8 variant alleles.
Comment: BS1, BP4_moderate

Women's Health and Genetics/Laboratory Corporation of America, LabCorp
Classification: Likely benign. Last evaluated: 2024-12-17. Review status: criteria provided, single submitter. Criteria: LabCorp Variant Classification Summary - May 2015. Collection method: clinical testing. Allele origin: germline.
Comment: Variant summary: B3GALT6 c.515C>T (p.Ala172Val) results in a non-conservative amino acid change in the encoded protein sequence. Four of five in-silico tools predict a benign effect of the variant on protein function. The variant allele was found at a frequency of 0.0012 in 1350218 control chromosomes, predominantly at a frequency of 0.0013 within the Non-Finnish European subpopulation in the gnomAD database, including 1 homozygote. The observed variant frequency within Non-Finnish European control individuals in the gnomAD database is approximately 1.16 fold of the estimated maximal expected allele frequency for a pathogenic variant in B3GALT6 causing Spondyloepimetaphyseal dysplasia with joint laxity, type 1, with or without fractures phenotype (0.0011). To our knowledge, no occurrence of c.515C>T in individuals affected with Spondyloepimetaphyseal dysplasia with joint laxity, type 1, with or without fractures and no experimental evidence demonstrating its impact on protein function have been reported. ClinVar contains an entry for this variant (Variation ID: 373234). Based on the evidence outlined above, the variant was classified as likely benign.

Ambry Genetics
Classification: Likely benign for Inborn genetic diseases. Last evaluated: 2022-05-01. Review status: criteria provided, single submitter. Criteria: Ambry Variant Classification Scheme 2023. Collection method: clinical testing. Allele origin: germline.

ARUP Laboratories, Molecular Genetics and Genomics, ARUP Laboratories
Classification: Uncertain significance. Last evaluated: 2019-09-27. Review status: criteria provided, single submitter. Criteria: ARUP Molecular Germline Variant Investigation Process. Collection method: clinical testing. Allele origin: germline.

GeneDx
Classification: Uncertain significance. Last evaluated: 2016-11-25. Review status: criteria provided, single submitter. Criteria: GeneDx Variant Classification (06012015). Collection method: clinical testing. Allele origin: germline. Affected: yes.
Comment: The A172V variant in the B3GALT6 gene has not been reported previously as a pathogenic variant, nor as a benign variant, to our knowledge. The A172V variant was not observed with any significant frequency in approximately 5600 individuals of European and African American ancestry in the NHLBI Exome Sequencing Project, indicating it is not a common benign variant in these populations. The A172V variant is a conservative amino acid substitution, which is not likely to impact secondary protein structure as these residues share similar properties. In addition, this substitution occurs at a position that is not conserved across species. However, in silico analysis is inconsistent in its predictions as to whether or not the variant is damaging to the protein structure/function. We interpret A172V as a variant of uncertain significance.

Clinical Genetics DNA and cytogenetics Diagnostics Lab, Erasmus MC, Erasmus Medical Center
Classification: Likely benign. Review status: no assertion criteria provided. Collection method: clinical testing. Allele origin: germline. Affected: yes. Study: VKGL Data-share Consensus. Not counted in ClinVar's aggregate classification.

Genome Diagnostics Laboratory, Amsterdam University Medical Center
Classification: Likely benign. Review status: no assertion criteria provided. Collection method: clinical testing. Allele origin: germline. Affected: yes. Study: VKGL Data-share Consensus. Not counted in ClinVar's aggregate classification.